The following is an entry in ClinVar:

NM_005188.4(CBL):c.2236G>A (p.Glu746Lys)

Gene: CBL (Cbl proto-oncogene; plus strand). Cytogenetic location: 11q23.3.
Variant type: single nucleotide variant.
Coding change: c.2236G>A on transcript NM_005188.4 (MANE Select); coding-DNA position 2236, G replaced by A.
Protein change: p.Glu746Lys; replaces glutamic acid 746 with lysine.
Molecular consequence: missense variant.
Genome position (GRCh38, 1-based): chr11:119,297,466, G>A. VCF-style: chr11-119297466-G-A. GRCh37 (hg19) VCF-style: chr11-119168176-G-A.
Other names: c.2236G>A (NM_005188.2); short protein forms E746K.
Identifiers: ClinVar variation 2104658 (VCV002104658.11), dbSNP rs369050822, ClinGen allele CA6318717.

ClinVar aggregate classification (germline): Conflicting classifications of pathogenicity. Review status: criteria provided, conflicting classifications (1 of 4 stars). 3 submissions from 3 submitters: Uncertain significance (2); Likely benign (1). Last evaluated 2026-01-08.

Conditions:
Cardiovascular phenotype. Identifiers: MedGen CN230736.
RASopathy. Also called: Noonan spectrum disorder; rasopathies. Identifiers: Orphanet 536391, MedGen C5555857, MONDO:0021060.

Allele frequency attached by ClinVar (database versions not stated): ExAC 0.00001; gnomAD 0.00002; TOPMed 0.00002; ESP Exome Variant Server 0.00008.
gnomAD v4.1: 12 of 1,611,238 alleles (0.00074%); highest among the groups gnomAD compares: Admixed American, 0.0017%; no homozygotes.

Submissions (3):

Labcorp Genetics (formerly Invitae), Labcorp
Classification: Uncertain significance for RASopathy. Last evaluated: 2026-01-08. Review status: criteria provided, single submitter. Criteria: Invitae Variant Classification Sherloc (09022015). Collection method: clinical testing. Allele origin: germline.
Comment: This sequence change replaces glutamic acid, which is acidic and polar, with lysine, which is basic and polar, at codon 746 of the CBL protein (p.Glu746Lys). This variant is present in population databases (rs369050822, gnomAD 0.002%). This variant has not been reported in the literature in individuals affected with CBL-related conditions. ClinVar contains an entry for this variant (Variation ID: 2104658). Invitae Evidence Modeling of protein sequence and biophysical properties (such as structural, functional, and spatial information, amino acid conservation, physicochemical variation, residue mobility, and thermodynamic stability) indicates that this missense variant is not expected to disrupt CBL protein function with a negative predictive value of 95%. In summary, the available evidence is currently insufficient to determine the role of this variant in disease. Therefore, it has been classified as a Variant of Uncertain Significance.

CeGaT Center for Human Genetics Tuebingen
Classification: Likely benign. Last evaluated: 2025-11-01. Review status: criteria provided, single submitter. Criteria: CeGaT Center For Human Genetics Tuebingen Variant Classification Criteria Version 2. Collection method: clinical testing. Allele origin: germline. Affected: yes. Observed: 1 variant allele.
Comment: CBL: BP4

Ambry Genetics
Classification: Uncertain significance for Cardiovascular phenotype. Last evaluated: 2025-01-05. Review status: criteria provided, single submitter. Criteria: Ambry Variant Classification Scheme 2023. Collection method: clinical testing. Allele origin: germline.
Comment: The p.E746K variant (also known as c.2236G>A), located in coding exon 14 of the CBL gene, results from a G to A substitution at nucleotide position 2236. The glutamic acid at codon 746 is replaced by lysine, an amino acid with similar properties. This amino acid position is conserved. In addition, the in silico prediction for this alteration is inconclusive. Based on the available evidence, the clinical significance of this variant remains unclear.